The following is an entry in ClinVar:

ClinVar aggregate classification (germline): Uncertain significance (1 of 4 stars; one submission).

Conditions:
O'Donnell-Luria-Rodan syndrome (ODLURO). Also called: KMT2E-Related Neurodevelopmental Disorder. Identifiers: MedGen C5193138, MONDO:0032793, OMIM 618512.

Submission:

OLLIN Analises Genomicas, OLLIN
Classification: Uncertain significance for O'Donnell-Luria-Rodan syndrome. Last evaluated: 2026-08-06. Review status: criteria provided, single submitter. Criteria: ACMG Guidelines 2015 PMID 25741868. Collection method: clinical testing. Allele origin: germline. Inheritance: Autosomal dominant inheritance.
Comment: This missense variant, located in exon 25 (of 27), is absent from gnomAD and has not been identified in the literature. However, it has been reported in ClinVar (accession VCV002176211.4). In silico analysis is inconclusive regarding the impact of this variant. According to the currently available evidence, this variant has been classified as uncertain significance (PM2_P).

NM_182931.3(KMT2E):c.3883G>C (p.Val1295Leu)

Gene: KMT2E (lysine methyltransferase 2E (inactive); plus strand). Cytogenetic location: 7q22.3.
Variant type: single nucleotide variant.
Coding change: c.3883G>C on transcript NM_182931.3 (MANE Select); coding-DNA position 3883, G replaced by C.
Protein change: p.Val1295Leu; replaces valine 1295 with leucine.
Molecular consequence: missense variant. On other transcripts: intron variant (1).
Genome position (GRCh38, 1-based): chr7:105,110,515, G>C. VCF-style: chr7-105110515-G-C. GRCh37 (hg19) VCF-style: chr7-104750962-G-C.
Other names: c.3883G>C, p.Val1295Leu (NM_018682.4); c.3844+147G>C (NM_001410908.1); short protein forms V1295L.
Identifiers: ClinVar variation 5002833 (VCV005002833.1).